The following is an entry in ClinVar:

ClinVar aggregate classification (germline): Pathogenic (1 of 4 stars; one submission).

Submission:

GeneDx
Classification: Pathogenic. Last evaluated: 2019-02-20. Review status: criteria provided, single submitter. Criteria: GeneDx Variant Classification (06012015). Collection method: clinical testing. Allele origin: germline. Affected: yes.
Comment: This duplication of four nucleotides in BRCA2 is denoted c.1794_1797dupATCT at the cDNA level and p.Tyr600IlefsX3 (Y600IfsX3) at the protein level. Using alternate nomenclature, this variant would also be defined as BRCA2 2022_2025dupATCT. The normal sequence, with the bases that are duplicated in brackets, is AAAC[dupATCT]TATA. The duplication causes a frameshift which changes a Tyrosine to an Isoleucine at codon 600, and creates a premature stop codon at position 3 of the new reading frame. Although this variant has not, to our knowledge, been reported in the literature as a germline variant, it is predicted to cause loss of normal protein function through either protein truncation or nonsense-mediated mRNA decay. We consider this variant to be pathogenic.

NM_000059.4(BRCA2):c.1794_1797dup (p.Tyr600fs)

Gene: BRCA2 (BRCA2 DNA repair associated; plus strand). Cytogenetic location: 13q13.1.
Variant type: Duplication.
Coding change: c.1794_1797dup on transcript NM_000059.4 (MANE Select); coding-DNA positions 1794 to 1797, 4 bases duplicated (ATCT; older notation c.1794_1797dupATCT).
Protein change: p.Tyr600fs; shifts the reading frame from tyrosine 600.
Molecular consequence: frameshift variant.
Genome position (GRCh38, 1-based): chr13:32,333,272-32,333,275, ATCT duplicated. VCF-style (leftmost placement, unchanged base first): chr13-32333271-C-CATCT. GRCh37 (hg19) VCF-style: chr13-32907408-C-CATCT.
Other names: short protein forms Y600fs.
Identifiers: ClinVar variation 817668 (VCV000817668.1), dbSNP rs1593893879, ClinGen allele CA915946969.